The following is an entry in ClinVar:

NM_001365999.1(SZT2):c.4756A>G (p.Ser1586Gly)

Gene: SZT2 (SZT2 subunit of KICSTOR complex; plus strand). Cytogenetic location: 1p34.2.
Variant type: single nucleotide variant.
Coding change: c.4756A>G on transcript NM_001365999.1 (MANE Select); coding-DNA position 4756, A replaced by G.
Protein change: p.Ser1586Gly; replaces serine 1586 with glycine.
Molecular consequence: missense variant.
Genome position (GRCh38, 1-based): chr1:43,430,771, A>G. VCF-style: chr1-43430771-A-G. GRCh37 (hg19) VCF-style: chr1-43896442-A-G.
Other names: c.4585A>G, p.Ser1529Gly (NM_015284.4); short protein forms S1529G, S1586G.
Identifiers: ClinVar variation 654695 (VCV000654695.6), dbSNP rs1306473188, ClinGen allele CA340022655.

ClinVar aggregate classification (germline): Uncertain significance (1 of 4 stars; one submission).

Allele frequency attached by ClinVar (database versions not stated): gnomAD 0.00002; TOPMed 0.00002.
gnomAD v4.1: 3 of 1,609,768 alleles (0.00019%); highest among the groups gnomAD compares: African/African-American, 0.004%; no homozygotes.

Submission:

Labcorp Genetics (formerly Invitae), Labcorp
Classification: Uncertain significance. Last evaluated: 2022-08-16. Review status: criteria provided, single submitter. Criteria: Invitae Variant Classification Sherloc (09022015). Collection method: clinical testing. Allele origin: germline.
Comment: This sequence change replaces serine, which is neutral and polar, with glycine, which is neutral and non-polar, at codon 1529 of the SZT2 protein (p.Ser1529Gly). This variant is not present in population databases (gnomAD no frequency). This variant has not been reported in the literature in individuals affected with SZT2-related conditions. ClinVar contains an entry for this variant (Variation ID: 654695). Algorithms developed to predict the effect of missense changes on protein structure and function (SIFT, PolyPhen-2, Align-GVGD) all suggest that this variant is likely to be tolerated. In summary, the available evidence is currently insufficient to determine the role of this variant in disease. Therefore, it has been classified as a Variant of Uncertain Significance.